The following is an entry in ClinVar:

ClinVar aggregate classification (germline): Uncertain significance. Review status: criteria provided, multiple submitters, no conflicts (2 of 4 stars). 3 submissions from 3 submitters: Uncertain significance (3). Last evaluated 2025-12-04.

Conditions:
Long QT syndrome (LQTS). Identifiers: MedGen C0023976, MeSH D008133, MONDO:0002442. Disease mechanism: loss of function. Inheritance: Various modes of inheritance.
Cardiovascular phenotype. Identifiers: MedGen CN230736.

Allele frequency attached by ClinVar (database versions not stated): gnomAD 0.00001; gnomAD exomes 0.00001; ExAC 0.00002; TOPMed 0.00003.
gnomAD v4.1: 4 of 1,612,526 alleles (0.00025%); highest among the groups gnomAD compares: African/African-American, 0.0027%; no homozygotes.

Submissions (3):

Ambry Genetics
Classification: Uncertain significance for Cardiovascular phenotype. Last evaluated: 2025-12-04. Review status: criteria provided, single submitter. Criteria: Ambry Variant Classification Scheme 2023. Collection method: clinical testing. Allele origin: germline.

GeneDx
Classification: Uncertain significance. Last evaluated: 2024-04-17. Review status: criteria provided, single submitter. Criteria: GeneDx Variant Classification Process June 2021. Collection method: clinical testing. Allele origin: germline. Affected: yes.
Comment: Not observed at significant frequency in large population cohorts (gnomAD); In silico analysis supports that this missense variant has a deleterious effect on protein structure/function; Has not been previously published as pathogenic or benign to our knowledge

Labcorp Genetics (formerly Invitae), Labcorp
Classification: Uncertain significance for Long QT syndrome. Last evaluated: 2021-08-15. Review status: criteria provided, single submitter. Criteria: Invitae Variant Classification Sherloc (09022015). Collection method: clinical testing. Allele origin: germline.
Comment: In summary, the available evidence is currently insufficient to determine the role of this variant in disease. Therefore, it has been classified as a Variant of Uncertain Significance. Algorithms developed to predict the effect of missense changes on protein structure and function are either unavailable or do not agree on the potential impact of this missense change (SIFT: "Deleterious"; PolyPhen-2: "Probably Damaging"; Align-GVGD: "Class C0"). This variant has not been reported in the literature in individuals affected with ANK2-related conditions. This variant is present in population databases (rs772263458, ExAC 0.02%). This sequence change replaces threonine with isoleucine at codon 823 of the ANK2 protein (p.Thr823Ile). The threonine residue is moderately conserved and there is a moderate physicochemical difference between threonine and isoleucine.

NM_001148.6(ANK2):c.2468C>T (p.Thr823Ile)

Gene: ANK2 (ankyrin 2; plus strand). Cytogenetic location: 4q26.
Variant type: single nucleotide variant.
Coding change: c.2468C>T on transcript NM_001148.6 (MANE Select); coding-DNA position 2468, C replaced by T.
Protein change: p.Thr823Ile; replaces threonine 823 with isoleucine.
Molecular consequence: missense variant.
Genome position (GRCh38, 1-based): chr4:113,293,531, C>T. VCF-style: chr4-113293531-C-T. GRCh37 (hg19) VCF-style: chr4-114214687-C-T.
Other names: c.2405C>T, p.Thr802Ile (NM_001127493.3, NM_001354239.2, NM_001354243.2 and 10 more transcripts); c.2468C>T, p.Thr823Ile (NM_001354225.2, NM_001354228.2, NM_001354232.2 and 6 more transcripts); c.2513C>T, p.Thr838Ile (NM_001354230.2, NM_001354231.2, NM_001354237.2 and 5 more transcripts); c.2369C>T, p.Thr790Ile (NM_001354245.2, NM_001354268.2); c.2381C>T, p.Thr794Ile (NM_001354249.2, NM_001354264.2, NM_001354266.2 and 10 more transcripts); c.2306C>T, p.Thr769Ile (NM_001354253.2, NM_001354257.2, NM_001354270.2 and 1 more transcripts); c.2282C>T, p.Thr761Ile (NM_001354260.2, NM_001354271.2, NM_001386151.1); c.2426C>T, p.Thr809Ile (NM_001354261.2, NM_001386147.1, NM_001386160.1); and 9 more; short protein forms T32I, T695I, T728I, T753I, T757I, T761I, T769I, T790I.
Identifiers: ClinVar variation 1315705 (VCV001315705.12), dbSNP rs772263458, ClinGen allele CA3050577.